The following is an entry in ClinVar:

NM_005120.3(MED12):c.1328A>G (p.Lys443Arg)

Genes: MED12 (mediator complex subunit 12; plus strand), LOC126863275 (BRD4-independent group 4 enhancer GRCh37_chrX:70342400-70343599; plus strand). Cytogenetic location: Xq13.1.
Variant type: single nucleotide variant.
Coding change: c.1328A>G on transcript NM_005120.3 (MANE Select); coding-DNA position 1328, A replaced by G.
Protein change: p.Lys443Arg; replaces lysine 443 with arginine.
Molecular consequence: missense variant.
Genome position (GRCh38, 1-based): chrX:71,122,587, A>G. VCF-style: chrX-71122587-A-G. GRCh37 (hg19) VCF-style: chrX-70342437-A-G.
Other names: short protein forms K443R.
Identifiers: ClinVar variation 1691211 (VCV001691211.12), dbSNP rs2092292301, ClinGen allele CA413506154.

ClinVar aggregate classification (germline): Uncertain significance. Review status: criteria provided, multiple submitters, no conflicts (2 of 4 stars). 3 submissions from 3 submitters: Uncertain significance (3). Last evaluated 2025-02-08.

Conditions:
MED12-Related Disorders. Also called: MED12-related disorder; MED12-related condition. Identifiers: MedGen CN381102.
FG syndrome (FGS). Identifiers: MedGen C0220769, MONDO:0002010.

Submissions (3):

PreventionGenetics, part of Exact Sciences
Classification: Uncertain significance for MED12-related condition. Last evaluated: 2025-02-08. Review status: criteria provided, single submitter. Criteria: ACMG Guidelines, 2015. Collection method: clinical testing. Allele origin: germline.
Comment: The MED12 c.1328A>G variant is predicted to result in the amino acid substitution p.Lys443Arg. To our knowledge, this variant has not been reported in the literature or in a large population database (gnomAD), indicating this variant is rare. At this time, the clinical significance of this variant is uncertain due to the absence of conclusive functional and genetic evidence.

Labcorp Genetics (formerly Invitae), Labcorp
Classification: Uncertain significance for FG syndrome. Last evaluated: 2023-10-20. Review status: criteria provided, single submitter. Criteria: Invitae Variant Classification Sherloc (09022015). Collection method: clinical testing. Allele origin: germline.
Comment: This sequence change replaces lysine, which is basic and polar, with arginine, which is basic and polar, at codon 443 of the MED12 protein (p.Lys443Arg). This variant is not present in population databases (gnomAD no frequency). This variant has not been reported in the literature in individuals affected with MED12-related conditions. ClinVar contains an entry for this variant (Variation ID: 1691211). Advanced modeling of protein sequence and biophysical properties (such as structural, functional, and spatial information, amino acid conservation, physicochemical variation, residue mobility, and thermodynamic stability) performed at Invitae indicates that this missense variant is expected to disrupt MED12 protein function. In summary, the available evidence is currently insufficient to determine the role of this variant in disease. Therefore, it has been classified as a Variant of Uncertain Significance.

GeneDx
Classification: Uncertain significance. Last evaluated: 2021-11-30. Review status: criteria provided, single submitter. Criteria: GeneDx Variant Classification Process June 2021. Collection method: clinical testing. Allele origin: germline. Affected: yes.
Comment: Not observed at significant frequency in large population cohorts (gnomAD); In silico analysis supports that this missense variant has a deleterious effect on protein structure/function; Has not been previously published as pathogenic or benign to our knowledge